The following is an entry in ClinVar:

NM_000497.4(CYP11B1):c.1124T>C (p.Leu375Pro)

Genes: CYP11B1 (cytochrome P450 family 11 subfamily B member 1; minus strand), LOC106799833 (CYP11B1 recombination region; plus strand). Cytogenetic location: 8q24.3.
Variant type: single nucleotide variant.
Coding change: c.1124T>C on transcript NM_000497.4 (MANE Select); coding-DNA position 1124, T replaced by C.
Protein change: p.Leu375Pro; replaces leucine 375 with proline.
Molecular consequence: missense variant.
Genome position (GRCh38, 1-based): chr8:142,875,310, A>G on the plus strand (T>C on the coding strand, the complement: CYP11B1 is on the minus strand). VCF-style: chr8-142875310-A-G. GRCh37 (hg19) VCF-style: chr8-143956726-A-G.
Other names: c.1124T>C, p.Leu375Pro (NM_001026213.1); short protein forms L375P.
Identifiers: ClinVar variation 2674661 (VCV002674661.1), dbSNP rs2488675941, ClinGen allele CA372392703.

ClinVar aggregate classification (germline): Uncertain significance (1 of 4 stars; one submission).

Conditions:
Deficiency of steroid 11-beta-monooxygenase (CYP11B1). Also called: ADRENAL HYPERPLASIA, CONGENITAL, DUE TO STEROID 11-BETA-HYDROXYLASE DEFICIENCY; P450C11B1 DEFICIENCY; STEROID 11-BETA-HYDROXYLASE DEFICIENCY; ADRENAL HYPERPLASIA IV; Congenital adrenal hyperplasia due to 11-beta-hydroxylase deficiency; 11-BETA-HYDROXYLASE DEFICIENCY. Identifiers: Orphanet 90795, MedGen C0268292, MONDO:0008729, OMIM 202010. Disease mechanism: loss of function.

Submission:

Clinical Biochemistry Laboratory, Health Services Laboratory
Classification: Uncertain significance for Deficiency of steroid 11-beta-monooxygenase. Last evaluated: 2023-11-20. Review status: criteria provided, single submitter. Criteria: ACMG Guidelines, 2015. Collection method: clinical testing. Allele origin: germline. Affected: yes.
Comment: ACMG:PM1 PM2 PP3